The following is an entry in ClinVar:

ClinVar aggregate classification (germline): Uncertain significance. Review status: criteria provided, multiple submitters, no conflicts (2 of 4 stars). 2 submissions from 2 submitters: Uncertain significance (2). Last evaluated 2025-03-01.

Conditions:
Infantile-onset X-linked spinal muscular atrophy. Also called: Spinal Muscular Atrophy, X-Linked Infantile; AMC, DISTAL, X-LINKED; ARTHROGRYPOSIS, X-LINKED, TYPE I; SPINAL MUSCULAR ATROPHY, X-LINKED LETHAL INFANTILE; Spinal muscular atrophy, X-linked 2. Identifiers: Orphanet 1145, MedGen C1844934, MONDO:0010532, OMIM 301830.

Submissions (2):

CeGaT Center for Human Genetics Tuebingen
Classification: Uncertain significance. Last evaluated: 2025-03-01. Review status: criteria provided, single submitter. Criteria: CeGaT Center For Human Genetics Tuebingen Variant Classification Criteria Version 2. Collection method: clinical testing. Allele origin: germline. Affected: yes. Observed: 1 variant allele.
Comment: UBA1: PM2, PP2

Labcorp Genetics (formerly Invitae), Labcorp
Classification: Uncertain significance for Infantile-onset X-linked spinal muscular atrophy. Last evaluated: 2022-11-10. Review status: criteria provided, single submitter. Criteria: Invitae Variant Classification Sherloc (09022015). Collection method: clinical testing. Allele origin: germline.
Comment: This sequence change replaces serine, which is neutral and polar, with proline, which is neutral and non-polar, at codon 620 of the UBA1 protein (p.Ser620Pro). This variant is not present in population databases (gnomAD no frequency). This variant has not been reported in the literature in individuals affected with UBA1-related conditions. Algorithms developed to predict the effect of missense changes on protein structure and function are either unavailable or do not agree on the potential impact of this missense change (SIFT: "Deleterious"; PolyPhen-2: "Probably Damaging"; Align-GVGD: "Class C0"). In summary, the available evidence is currently insufficient to determine the role of this variant in disease. Therefore, it has been classified as a Variant of Uncertain Significance.

NM_003334.4(UBA1):c.1858T>C (p.Ser620Pro)

Gene: UBA1 (ubiquitin like modifier activating enzyme 1; plus strand). Cytogenetic location: Xp11.3.
Variant type: single nucleotide variant.
Coding change: c.1858T>C on transcript NM_003334.4 (MANE Select); coding-DNA position 1858, T replaced by C.
Protein change: p.Ser620Pro; replaces serine 620 with proline.
Molecular consequence: missense variant.
Genome position (GRCh38, 1-based): chrX:47,206,364, T>C. VCF-style: chrX-47206364-T-C. GRCh37 (hg19) VCF-style: chrX-47065763-T-C.
Other names: c.1858T>C, p.Ser620Pro (NM_153280.3); short protein forms S620P.
Identifiers: ClinVar variation 2813336 (VCV002813336.10), dbSNP rs2521529884, ClinGen allele CA412803008.